The following is an entry in ClinVar:

ClinVar aggregate classification (germline): Likely pathogenic (1 of 4 stars; one submission).

Conditions:
Isovaleryl-CoA dehydrogenase deficiency (IVA). Also called: ISOVALERIC ACID CoA DEHYDROGENASE DEFICIENCY; Isovaleric acidemia; IVD DEFICIENCY; Classic Isovaleric Acidemia. Identifiers: Orphanet 33, MedGen C0268575, MONDO:0009475, OMIM 243500.

gnomAD v4.1: 1 of 1,614,010 alleles (0.000062%); highest among the groups gnomAD compares: Admixed American, 0.0017%; no homozygotes.

Submission:

Juno Genomics, Hangzhou Juno Genomics, Inc
Classification: Likely pathogenic for Isovaleryl-CoA dehydrogenase deficiency. Review status: criteria provided, single submitter. Criteria: ACMG Guidelines, 2015. Collection method: clinical testing. Allele origin: germline. Affected: yes.
Comment: Absent from controls (or at extremely low frequency if recessive) in Genome Aggregation Database, Exome Sequencing Project, 1000 Genomes Project, or Exome Aggregation Consortium.;Multiple lines of computational evidence support a deleterious effect on the gene or gene product (conservation, evolutionary, splicing impact, etc).;For recessive disorders, detected in trans with a pathogenic variant.

NM_002225.5(IVD):c.386A>G (p.His129Arg)

Gene: IVD (isovaleryl-CoA dehydrogenase; plus strand). Cytogenetic location: 15q15.1.
Variant type: single nucleotide variant.
Coding change: c.386A>G on transcript NM_002225.5 (MANE Select); coding-DNA position 386, A replaced by G.
Protein change: p.His129Arg; replaces histidine 129 with arginine.
Molecular consequence: missense variant. On other transcripts: non-coding transcript variant (1).
Genome position (GRCh38, 1-based): chr15:40,410,727, A>G. VCF-style: chr15-40410727-A-G. GRCh37 (hg19) VCF-style: chr15-40702926-A-G.
Other names: c.296A>G, p.His99Arg (NM_001159508.3); c.338A>G, p.His113Arg (NM_001354597.3); c.386A>G, p.His129Arg (NM_001354598.3, NM_001354601.3); c.473A>G, p.His158Arg (NM_001354599.3, NM_001354600.3); short protein forms H113R, H129R, H158R, H99R.
Identifiers: ClinVar variation 3383111 (VCV003383111.2).
Genomic context (GRCh38, chr15:40,410,727, plus strand): 5'-TGCTGGTGATGGAGGAGATATCCCGAGCTTCCGGAGCAGTGGGGCTCAGTTACGGTGCCC[A>G]CTCCAACCTCTGCATCAACCAGCTTGTACGCAATGGGAATGAGGCCCAGAAAGAGAAGTA-3'
Protein context (NP_002216.3, residues 119-139): SGAVGLSYGA[His129Arg]SNLCINQLVR